The following is an entry in ClinVar:

NM_000180.4(GUCY2D):c.337G>A (p.Ala113Thr)

Gene: GUCY2D (guanylate cyclase 2D, retinal; plus strand). Cytogenetic location: 17p13.1.
Variant type: single nucleotide variant.
Coding change: c.337G>A on transcript NM_000180.4 (MANE Select); coding-DNA position 337, G replaced by A.
Protein change: p.Ala113Thr; replaces alanine 113 with threonine.
Molecular consequence: missense variant.
Genome position (GRCh38, 1-based): chr17:8,003,384, G>A. VCF-style: chr17-8003384-G-A. GRCh37 (hg19) VCF-style: chr17-7906702-G-A.
Other names: c.337G>A (NM_000180.3); short protein forms A113T.
Identifiers: ClinVar variation 624093 (VCV000624093.50), dbSNP rs1445892049, ClinGen allele CA397943215.

ClinVar aggregate classification (germline): Conflicting classifications of pathogenicity. Review status: criteria provided, conflicting classifications (1 of 4 stars). 4 submissions from 4 submitters: Uncertain significance (2); Likely benign (2). Last evaluated 2026-05-21.

Conditions:
GUCY2D-related disorder. Also called: GUCY2D-related condition.
Leber congenital amaurosis 1 (LCA1). Also called: RETINAL BLINDNESS, CONGENITAL; AMAUROSIS CONGENITA OF LEBER I; Congenital absence of the rods and cones; Leber's congenital tapetoretinal degeneration; Leber's congenital tapetoretinal dysplasia. Identifiers: Orphanet 65, MedGen C2931258, MONDO:0008764, OMIM 204000.
Cone-rod dystrophy 6 (CORD6). Also called: RETINAL CONE DYSTROPHY 2; Cone dystrophy progressive. Identifiers: Orphanet 1872, MedGen C1866293, MONDO:0011143, OMIM 601777.

Allele frequency attached by ClinVar (database versions not stated): TOPMed 0.00001; 1000 Genomes Project 30x 0.00016; gnomAD 0.00032; gnomAD exomes 0.00033.

Submissions (4):

PreventionGenetics, part of Exact Sciences
Classification: Likely benign for GUCY2D-related condition. Last evaluated: 2026-05-21. Review status: criteria provided, single submitter. Criteria: ACMG Guidelines, 2015. Collection method: clinical testing. Allele origin: germline.
Comment: This variant is classified as likely benign based on ACMG/AMP sequence variant interpretation guidelines (Richards et al. 2015 PMID: 25741868, with internal and published modifications).

Labcorp Genetics (formerly Invitae), Labcorp
Classification: Likely benign for Leber congenital amaurosis 1; Cone-rod dystrophy 6. Last evaluated: 2025-10-22. Review status: criteria provided, single submitter. Criteria: Invitae Variant Classification Sherloc (09022015). Collection method: clinical testing. Allele origin: germline.

Blueprint Genetics
Classification: Uncertain significance. Last evaluated: 2024-10-04. Review status: criteria provided, single submitter. Criteria: ACMG Guidelines, 2015. Collection method: clinical testing. Allele origin: germline.

CeGaT Center for Human Genetics Tuebingen
Classification: Uncertain significance. Last evaluated: 2018-06-01. Review status: criteria provided, single submitter. Criteria: CeGaT Center For Human Genetics Tuebingen Variant Classification Criteria Version 2. Collection method: clinical testing. Allele origin: germline. Affected: yes. Observed: 1 variant allele.